The following is an entry in ClinVar:

NM_001378609.3(OTOGL):c.3913C>T (p.Arg1305Trp)

Gene: OTOGL (otogelin like; plus strand). Cytogenetic location: 12q21.31.
Variant type: single nucleotide variant.
Coding change: c.3913C>T on transcript NM_001378609.3 (MANE Select); coding-DNA position 3913, C replaced by T.
Protein change: p.Arg1305Trp; replaces arginine 1305 with tryptophan.
Molecular consequence: missense variant.
Genome position (GRCh38, 1-based): chr12:80,320,532, C>T. VCF-style: chr12-80320532-C-T. GRCh37 (hg19) VCF-style: chr12-80714312-C-T.
Other names: c.3778C>T, p.Arg1260Trp (NM_001368062.3); c.3913C>T, p.Arg1305Trp (NM_001378610.3, NM_173591.7); short protein forms R1260W, R1305W.
Identifiers: ClinVar variation 1328563 (VCV001328563.4), dbSNP rs557947188, ClinGen allele CA6701209.

ClinVar aggregate classification (germline): Uncertain significance. Review status: criteria provided, multiple submitters, no conflicts (2 of 4 stars). 3 submissions from 3 submitters: Uncertain significance (3). Last evaluated 2026-03-06.

Conditions:
OTOGL-related disorder. Also called: OTOGL-related condition.

Allele frequency attached by ClinVar (database versions not stated): ExAC 0.00006; TOPMed 0.00011; gnomAD 0.00016; 1000 Genomes Project 0.00020.
gnomAD v4.1: 418 of 1,613,598 alleles (0.026%); highest among the groups gnomAD compares: Non-Finnish European, 0.034%; no homozygotes.

Submissions (3):

PreventionGenetics, part of Exact Sciences
Classification: Uncertain significance for OTOGL-related condition. Last evaluated: 2026-03-06. Review status: criteria provided, single submitter. Criteria: ACMG Guidelines, 2015. Collection method: clinical testing. Allele origin: germline.
Comment: The OTOGL c.3886C>T variant is predicted to result in the amino acid substitution p.Arg1296Trp. To our knowledge, this variant has not been reported in the literature. This variant is reported in 0.011% of alleles in individuals of European (Non-Finnish) descent in gnomAD. At this time, the clinical significance of this variant is uncertain due to the absence of conclusive functional and genetic evidence.

Labcorp Genetics (formerly Invitae), Labcorp
Classification: Uncertain significance. Last evaluated: 2025-07-21. Review status: criteria provided, single submitter. Criteria: Invitae Variant Classification Sherloc (09022015). Collection method: clinical testing. Allele origin: germline.
Comment: This sequence change replaces arginine, which is basic and polar, with tryptophan, which is neutral and slightly polar, at codon 1296 of the OTOGL protein (p.Arg1296Trp). This variant is present in population databases (rs557947188, gnomAD 0.01%). This variant has not been reported in the literature in individuals affected with OTOGL-related conditions. ClinVar contains an entry for this variant (Variation ID: 1328563). An algorithm developed to predict the effect of missense changes on protein structure and function (PolyPhen-2) suggests that this variant is likely to be disruptive. In summary, the available evidence is currently insufficient to determine the role of this variant in disease. Therefore, it has been classified as a Variant of Uncertain Significance.

GeneDx
Classification: Uncertain significance. Last evaluated: 2021-06-14. Review status: criteria provided, single submitter. Criteria: GeneDx Variant Classification Process June 2021. Collection method: clinical testing. Allele origin: germline. Affected: yes.
Comment: In silico analysis supports that this missense variant has a deleterious effect on protein structure/function; Has not been previously published as pathogenic or benign to our knowledge; This variant is associated with the following publications: (PMID: 27535533)